The following is an entry in ClinVar:

ClinVar aggregate classification (germline): Uncertain significance (1 of 4 stars; one submission).

Conditions:
Cardiovascular phenotype. Identifiers: MedGen CN230736.

gnomAD v4.1: 2 of 1,612,908 alleles (0.00012%); highest among the groups gnomAD compares: Admixed American, 0.0033%; no homozygotes.

Submission:

Ambry Genetics
Classification: Uncertain significance for Cardiovascular phenotype. Last evaluated: 2025-01-16. Review status: criteria provided, single submitter. Criteria: Ambry Variant Classification Scheme 2023. Collection method: clinical testing. Allele origin: germline.
Comment: The p.V1822L variant (also known as c.5464G>T), located in coding exon 14 of the TNXB gene, results from a G to T substitution at nucleotide position 5464. The valine at codon 1822 is replaced by leucine, an amino acid with highly similar properties. This amino acid position is conserved. In addition, this alteration is predicted to be tolerated by in silico analysis. Based on the available evidence, the clinical significance of this variant remains unclear.

NM_001365276.2(TNXB):c.5464G>T (p.Val1822Leu)

Gene: TNXB (tenascin XB; minus strand). Cytogenetic location: 6p21.33.
Variant type: single nucleotide variant.
Coding change: c.5464G>T on transcript NM_001365276.2 (MANE Select); coding-DNA position 5464, G replaced by T.
Protein change: p.Val1822Leu; replaces valine 1822 with leucine.
Molecular consequence: missense variant.
Genome position (GRCh38, 1-based): chr6:32,069,676, C>A on the plus strand (G>T on the coding strand, the complement: TNXB is on the minus strand). VCF-style: chr6-32069676-C-A. GRCh37 (hg19) VCF-style: chr6-32037453-C-A.
Other names: c.6205G>T, p.Val2069Leu (NM_001428335.1); c.5464G>T, p.Val1822Leu (NM_019105.8); short protein forms V1822L, V2069L.
Identifiers: ClinVar variation 3809335 (VCV003809335.1).
Genomic context (GRCh38, chr6:32,069,676, plus strand): 5'-GCTTGTACCTGTGGGCAGGGTCCAGGCCCGGCACGCTGACCTCCCTGAGGCTGCCCTCCA[C>A]GGGCACCACCTGGGGCTGCCCGTCCCTGTCTTTGTACTGGACCACAAAGGAGTCAAACTG-3'
Protein context (NP_001352205.1, residues 1812-1832): DRDGQPQVVP[Val1822Leu]EGSLREVSVP